The following is an entry in ClinVar:

ClinVar aggregate classification (germline): Pathogenic/Likely pathogenic. Review status: criteria provided, multiple submitters, no conflicts (2 of 4 stars). 16 submissions from 14 submitters: Pathogenic (5); Likely pathogenic (10). 1 of the submissions does not count toward it. Last evaluated 2026-03-05.

Conditions:
ANO5-related disorder. Also called: ANO5-related disorders; ANO5-related condition. Identifiers: MedGen CN239193.
Myopathy. Identifiers: MedGen C0026848, MeSH D009135, MONDO:0005336, HP:0003198.
Autosomal recessive limb-girdle muscular dystrophy type 2L (LGMDR12). Also called: Limb-girdle muscular dystrophy, type 2L; Limb-Girdle Muscular Dystrophy R12 Anoctamin-5-Related (LGMD-R12); MUSCULAR DYSTROPHY, LIMB-GIRDLE, AUTOSOMAL RECESSIVE 12. Identifiers: Orphanet 206549, MedGen C1969785, MONDO:0012652, OMIM 611307.
Fatty replacement of skeletal muscle. Identifiers: MedGen C4021082, HP:0012548.
Distal muscle weakness. Identifiers: MedGen C0427065, HP:0002460.
Elevated circulating creatine kinase activity. Also called: Elevated serum creatine phosphokinase; Elevated circulating creatine kinase concentration; Elevated creatine kinase. Identifiers: MedGen C0241005, HP:0003236.
Muscular dystrophy. Identifiers: Orphanet 98473, MedGen C0026850, MeSH D009136, MONDO:0020121, HP:0003560.
Miyoshi muscular dystrophy 3 (MMD3). Also called: Miyoshi Muscular Dystrophy 3 (MMD3); Miyoshi myopathy 3. Identifiers: Orphanet 399096, MedGen C2750076, MONDO:0013222, OMIM 613319.
Gnathodiaphyseal dysplasia (GDD). Also called: GNATHODIAPHYSEAL SCLEROSIS; OSTEOGENESIS IMPERFECTA WITH UNUSUAL SKELETAL LESIONS. Identifiers: Orphanet 53697, MedGen C1833736, MONDO:0008151, OMIM 166260.
ANO5-Related Muscle Diseases. Identifiers: MedGen CN180644.

Allele frequency attached by ClinVar (database versions not stated): ESP Exome Variant Server 0.00008; TOPMed 0.00008; gnomAD 0.00014 and 0.00015.
gnomAD v4.1: 107 of 1,613,824 alleles (0.0066%); highest among the groups gnomAD compares: Non-Finnish European, 0.0081%; 1 homozygote.

Submissions (16):

Broad Center for Mendelian Genomics, Broad Institute of MIT and Harvard
Classification: Likely pathogenic for Miyoshi muscular dystrophy 3. Last evaluated: 2026-03-05. Review status: criteria provided, single submitter. Criteria: ACMG Guidelines, 2015. Collection method: research. Allele origin: germline. Inheritance: Autosomal recessive inheritance. Study: GREGoR Consortium.
Comment: The p.Ser555Ile variant in ANO5 has been reported in the compound heterozygous state in 6 individuals with limb-girdle muscular dystrophy and other myopathy phenotypes (Kuhn 2016 PMID: 26886200, Ylikallio 2016 PMID: 27911336, Nallamilli 2018 PMID: 30564623, Wu 2018 PMID: 29382405, Jarmula 2019 PMID: 31395899, Božović 2021 PMID: 34106991). It has also been identified in 0.02% (22/129024) of European non-Finnish chromosomes by gnomAD. However, this frequency is low enough to be consistent with a recessive allele frequency. This variant has also been reported in ClinVar (Variation ID 286450). Computational prediction tools and conservation analyses do not provide strong support for or against an impact to the protein. In vitro functional studies provide some evidence that this variant impacts protein function (Di Zanni 2020 PMID: 32112655); however, these types of assays may not accurately represent biological function. In summary, although additional studies are required to fully establish its clinical significance, this variant meets criteria to be classified as likely pathogenic for autosomal recessive ANO5-related muscle disease. ACMG/AMP Criteria applied: PM3_strong, PM2_supporting, PS3_supporting.

Labcorp Genetics (formerly Invitae), Labcorp
Classification: Pathogenic for Autosomal recessive limb-girdle muscular dystrophy type 2L; Gnathodiaphyseal dysplasia. Last evaluated: 2025-12-19. Review status: criteria provided, single submitter. Criteria: Invitae Variant Classification Sherloc (09022015). Collection method: clinical testing. Allele origin: germline.
Comment: This sequence change replaces serine, which is neutral and polar, with isoleucine, which is neutral and non-polar, at codon 555 of the ANO5 protein (p.Ser555Ile). This variant is present in population databases (rs375014127, gnomAD 0.02%). This missense change has been observed in individual(s) with autosomal recessive ANO5-related conditions (PMID: 26886200, 27911336, 30564623, 31395899). In at least one individual the data is consistent with being in trans (on the opposite chromosome) from a pathogenic variant. ClinVar contains an entry for this variant (Variation ID: 286450). Invitae Evidence Modeling of protein sequence and biophysical properties (such as structural, functional, and spatial information, amino acid conservation, physicochemical variation, residue mobility, and thermodynamic stability) has been performed for this missense variant. However, the output from this modeling did not meet the statistical confidence thresholds required to predict the impact of this variant on ANO5 protein function. Experimental studies have shown that this missense change affects ANO5 function (PMID: 32112655). For these reasons, this variant has been classified as Pathogenic.

First Genomix Gene Laboratory, Genetic Diagnostics Department
Classification: Likely pathogenic for Autosomal recessive limb-girdle muscular dystrophy type 2L; Miyoshi muscular dystrophy 3. Last evaluated: 2025-04-18. Review status: criteria provided, single submitter. Criteria: ACMG Guidelines, 2015. Collection method: clinical testing. Allele origin: germline. Inheritance: Autosomal recessive inheritance. Affected: no. Observed: 1 variant allele.

Fulgent Genetics
Classification: Likely pathogenic for Gnathodiaphyseal dysplasia; Autosomal recessive limb-girdle muscular dystrophy type 2L; Miyoshi muscular dystrophy 3. Last evaluated: 2024-04-05. Review status: criteria provided, single submitter. Criteria: ACMG Guidelines, 2015. Collection method: clinical testing. Allele origin: germline.

Blueprint Genetics
Classification: Pathogenic for ANO5-related disorders. Last evaluated: 2024-01-17. Review status: criteria provided, single submitter. Criteria: ACMG Guidelines, 2015. Collection method: clinical testing. Allele origin: germline. Affected: yes. Observed: 5 variant alleles.

Revvity Omics, Revvity
Classification: Likely pathogenic. Last evaluated: 2023-06-12. Review status: criteria provided, single submitter. Criteria: ACMG Guidelines, 2015. Collection method: clinical testing. Allele origin: germline.

Laboratory for Molecular Medicine, Mass General Brigham Personalized Medicine
Classification: Likely pathogenic for Muscular dystrophy. Last evaluated: 2023-05-24. Review status: criteria provided, single submitter. Criteria: ACMG Guidelines, 2015. Collection method: clinical testing. Allele origin: germline. Inheritance: Autosomal recessive inheritance.
Comment: the same text as in the submission from Broad Center for Mendelian Genomics, Broad Institute of MIT and Harvard above.

Department of Pathology and Laboratory Medicine, Sinai Health System
Classification: Likely pathogenic for Autosomal recessive limb-girdle muscular dystrophy type 2L; Gnathodiaphyseal dysplasia; Miyoshi muscular dystrophy 3. Last evaluated: 2022-04-08. Review status: criteria provided, single submitter. Criteria: ACMG Guidelines, 2015. Collection method: research. Allele origin: germline.

MGZ Medical Genetics Center
Classification: Likely pathogenic for Miyoshi muscular dystrophy 3. Last evaluated: 2022-04-01. Review status: criteria provided, single submitter. Criteria: ACMG Guidelines, 2015. Collection method: clinical testing. Allele origin: germline. Affected: yes. Observed: 1 variant allele.
Comment: ACMG criteria applied: PS3_MOD, PM3, PM2_SUP, PP3

3billion
Classification: Likely pathogenic for Autosomal recessive limb-girdle muscular dystrophy type 2L. Last evaluated: 2022-01-03. Review status: criteria provided, single submitter. Criteria: ACMG Guidelines, 2015. Collection method: clinical testing. Allele origin: germline. Affected: yes. Observed: 1 heterozygote.
Comment: Same nucleotide change resulting in same amino acid change has been previously reported as pathogenic/likely pathogenic with strong evidence (ClinVar ID: VCV000286450, PS1_S). It is observed at an extremely low frequency in the gnomAD v2.1.1 dataset (total allele frequency: 0.000092, PM2_M). The variant has been reported to be in trans with a pathogenic variant as either compound heterozygous or homozygous in at least one similarly affected unrelated individual (PMID: 26886200, 27911336, PM3_M). Therefore, this variant is classified as likely pathogenic according to the recommendation of ACMG/AMP guideline.

Institute of Medical Genetics and Applied Genomics, University Hospital Tübingen
Classification: Likely pathogenic. Last evaluated: 2020-10-23. Review status: criteria provided, single submitter. Criteria: ACMG Guidelines, 2015. Collection method: clinical testing. Allele origin: germline. Inheritance: Unknown mechanism. Affected: yes.

GeneDx
Classification: Pathogenic. Last evaluated: 2020-04-02. Review status: criteria provided, single submitter. Criteria: GeneDx Variant Classification Process June 2021. Collection method: clinical testing. Allele origin: germline. Affected: yes.
Comment: Published functional studies demonstrate a damaging effect with a loss of function mechanism (Di Zanni et al., 2020); In silico analysis, which includes protein predictors and evolutionary conservation, supports a deleterious effect; This variant is associated with the following publications: (PMID: 26886200, 27911336, 25891276, 31341644, 29382405, 31791368, 32112655, 31395899, 30564623, 32528171)

Centre for Mendelian Genomics, University Medical Centre Ljubljana
Classification: Pathogenic for Distal muscle weakness; Elevated circulating creatine kinase activity; Fatty replacement of skeletal muscle. Last evaluated: 2017-01-01. Review status: criteria provided, single submitter. Criteria: ACMG Guidelines, 2015. Collection method: clinical testing. Allele origin: unknown. Affected: yes.

Centre for Mendelian Genomics, University Medical Centre Ljubljana
Classification: Pathogenic for Gnathodiaphyseal dysplasia. Last evaluated: 2016-01-01. Review status: criteria provided, single submitter. Criteria: ACMG Guidelines, 2015. Collection method: clinical testing. Allele origin: unknown. Affected: yes.
Comment: This variant was classified as: Pathogenic. The following ACMG criteria were applied in classifying this variant: PS1,PM2,PM3,PP4,PP5.

Centre for Mendelian Genomics, University Medical Centre Ljubljana
Classification: Likely pathogenic for Myopathy. Last evaluated: 2014-12-12. Review status: criteria provided, single submitter. Criteria: ACMG Guidelines, 2015. Collection method: clinical testing. Allele origin: unknown. Affected: yes.

Eurofins Ntd Llc (ga)
Classification: Uncertain significance. Last evaluated: 2018-08-30. Review status: flagged submission. Criteria: EGL ClinVar v180209 classification definitions. Collection method: clinical testing. Allele origin: germline. Observed: 4 variant alleles, 4 heterozygotes. Not counted in ClinVar's aggregate classification.
ClinVar note: Reason: Older and outlier claim with insufficient supporting evidence

Literature cited by the submitters: PubMed 26886200 (cited by 3 submitters); PubMed 27911336 (cited by 3 submitters); PubMed 30564623 (cited by Labcorp Genetics (formerly Invitae), Labcorp and Laboratory for Molecular Medicine, Mass General Brigham Personalized Medicine); PubMed 31395899 (cited by Labcorp Genetics (formerly Invitae), Labcorp and Laboratory for Molecular Medicine, Mass General Brigham Personalized Medicine); PubMed 32112655 (cited by Labcorp Genetics (formerly Invitae), Labcorp and Laboratory for Molecular Medicine, Mass General Brigham Personalized Medicine); PubMed 34106991 (cited by Laboratory for Molecular Medicine, Mass General Brigham Personalized Medicine); PubMed 29382405 (cited by Laboratory for Molecular Medicine, Mass General Brigham Personalized Medicine).

NM_213599.3(ANO5):c.1664G>T (p.Ser555Ile)

Gene: ANO5 (anoctamin 5; plus strand). Cytogenetic location: 11p14.3.
Variant type: single nucleotide variant.
Coding change: c.1664G>T on transcript NM_213599.3 (MANE Select); coding-DNA position 1664, G replaced by T.
Protein change: p.Ser555Ile; replaces serine 555 with isoleucine.
Molecular consequence: missense variant.
Genome position (GRCh38, 1-based): chr11:22,262,162, G>T. VCF-style: chr11-22262162-G-T. GRCh37 (hg19) VCF-style: chr11-22283708-G-T.
Other names: NM_213599.3(ANO5):c.1664G>T; p.Ser555Ile; c.1661G>T, p.Ser554Ile (NM_001142649.2); short protein forms S555I, S554I.
Identifiers: ClinVar variation 286450 (VCV000286450.30), dbSNP rs375014127, ClinGen allele CA5923318.